The following is an entry in ClinVar:

ClinVar aggregate classification (germline): Likely pathogenic (1 of 4 stars; one submission).

Submission:

GeneDx
Classification: Likely pathogenic. Last evaluated: 2018-05-31. Review status: criteria provided, single submitter. Criteria: GeneDx Variant Classification (06012015). Collection method: clinical testing. Allele origin: germline. Affected: yes.
Comment: A variant that is likely pathogenic has been identified in the SCN1A gene. The c.5018_5019delTCinsAG variant has not been published as a pathogenic variant, nor has it been reported as a benign variant to our knowledge. The c.5018_5019delTCinsAG variant is caused by two nucleotide substitutions (c.5018 T>A and c.5019 C>G) on the same allele (in cis), resulting in an in-frame deletion of a single Isoleucine residue and the insertion of a single Lysine residue at amino acid position 1673, denoted I1673K.The I1673K variant is not observed in large population cohorts (Lek et al., 2016). The I1673K variant is a non-conservative amino acid substitution, which is likely to impact secondary protein structure as these residues differ in polarity, charge, size and/or other properties. In-silico analyses, including protein predictors and evolutionary conservation, support a deleterious effect. This substitution is predicted to occur within the transmembrane segment S5 of the fourth homologous domain. Missense variants in a the same residue (I1673N, I1673T) have been reported in the Human Gene Mutation Database and at GeneDx in individuals with SCN1A-related disorders (Stenson et al., 2014). Therefore, this variant is likely pathogenic; however, the possibility that it is benign cannot be excluded.

NM_001165963.4(SCN1A):c.5018_5019delinsAG (p.Ile1673Lys)

Genes: SCN1A (sodium voltage-gated channel alpha subunit 1; minus strand), LOC102724058 (uncharacterized LOC102724058; plus strand). Cytogenetic location: 2q24.3.
Variant type: Indel.
Coding change: c.5018_5019delinsAG on transcript NM_001165963.4 (MANE Select); coding-DNA positions 5018 to 5019, TC replaced by AG.
Protein change: p.Ile1673Lys; replaces isoleucine 1673 with lysine.
Molecular consequence: missense variant. On other transcripts: non-coding transcript variant (1).
Genome position (GRCh38, 1-based): chr2:165,992,256-165,992,257, GA replaced by CT on the plus strand (TC replaced by AG on the coding strand, the reverse complement: SCN1A is on the minus strand). VCF-style: chr2-165992256-GA-CT. GRCh37 (hg19) VCF-style: chr2-166848766-GA-CT.
Other names: c.4934_4935delinsAG, p.Ile1645Lys (NM_001165964.3, NM_001353957.2, NM_001353958.2); c.5018_5019delinsAG, p.Ile1673Lys (NM_001202435.3, NM_001353948.2); c.4985_4986delinsAG, p.Ile1662Lys (NM_001353949.2, NM_001353950.2, NM_001353951.2 and 2 more transcripts); c.4982_4983delinsAG, p.Ile1661Lys (NM_001353954.2, NM_001353955.2); c.4931_4932delinsAG, p.Ile1644Lys (NM_001353960.2); c.2576_2577delinsAG, p.Ile859Lys (NM_001353961.2); short protein forms I1644K, I1661K, I1673K, I1645K, I859K, I1662K.
Identifiers: ClinVar variation 546546 (VCV000546546.2), dbSNP rs1553520404, ClinGen allele CA658822726.